The following is an entry in ClinVar:

ClinVar aggregate classification (germline): Uncertain significance (1 of 4 stars; one submission).

Conditions:
PLXNA1-related disorder. Also called: PLXNA1-related condition.

gnomAD v4.1: 2 of 1,613,430 alleles (0.00012%); highest among the groups gnomAD compares: Non-Finnish European, 0.00017%; no homozygotes.

Submission:

PreventionGenetics, part of Exact Sciences
Classification: Uncertain significance for PLXNA1-related condition. Last evaluated: 2024-12-10. Review status: criteria provided, single submitter. Criteria: ACMG Guidelines, 2015. Collection method: clinical testing. Allele origin: germline.
Comment: The PLXNA1 c.491A>G variant is predicted to result in the amino acid substitution p.Gln164Arg. To our knowledge, this variant has not been reported in the literature. This variant is reported in 0.00089% of alleles in individuals of European (Non-Finnish) descent in gnomAD. At this time, the clinical significance of this variant is uncertain due to the absence of conclusive functional and genetic evidence.

NM_032242.4(PLXNA1):c.491A>G (p.Gln164Arg)

Gene: PLXNA1 (plexin A1; plus strand). Cytogenetic location: 3q21.3.
Variant type: single nucleotide variant.
Coding change: c.491A>G on transcript NM_032242.4 (MANE Select); coding-DNA position 491, A replaced by G.
Protein change: p.Gln164Arg; replaces glutamine 164 with arginine.
Molecular consequence: missense variant.
Genome position (GRCh38, 1-based): chr3:126,989,084, A>G. VCF-style: chr3-126989084-A-G. GRCh37 (hg19) VCF-style: chr3-126707927-A-G.
Other names: short protein forms Q164R.
Identifiers: ClinVar variation 5002346 (VCV005002346.1).